The following is an entry in ClinVar:

NM_001286.5(CLCN6):c.790A>T (p.Ser264Cys)

Gene: CLCN6 (chloride voltage-gated channel 6; plus strand). Cytogenetic location: 1p36.22.
Variant type: single nucleotide variant.
Coding change: c.790A>T on transcript NM_001286.5 (MANE Select); coding-DNA position 790, A replaced by T.
Protein change: p.Ser264Cys; replaces serine 264 with cysteine.
Molecular consequence: missense variant. On other transcripts: non-coding transcript variant (1).
Genome position (GRCh38, 1-based): chr1:11,827,171, A>T. VCF-style: chr1-11827171-A-T. GRCh37 (hg19) VCF-style: chr1-11887228-A-T.
Other names: c.724A>T, p.Ser242Cys (NM_001256959.2); c.790A>T (NM_001286.2); short protein forms S264C, S242C.
Identifiers: ClinVar variation 1490772 (VCV001490772.9), dbSNP rs774858202, ClinGen allele CA596242.
Genomic context (GRCh38, chr1:11,827,171, plus strand): 5'-GCAGGAGCGGCTGCTGGAGTTGCTGCAGCTTTCGGGGCGCCAATCGGGGGTACCTTGTTC[A>T]GTCTAGAGGAGGGTTCGTCCTTCTGGAACCAAGGGCTCACGTGGAAAGTGGTGAGGAGGA-3'
Protein context (NP_001277.2, residues 254-274): FGAPIGGTLF[Ser264Cys]LEEGSSFWNQ

ClinVar aggregate classification (germline): Uncertain significance. Review status: criteria provided, multiple submitters, no conflicts (2 of 4 stars). 2 submissions from 2 submitters: Uncertain significance (2). Last evaluated 2025-07-31.

Allele frequency attached by ClinVar (database versions not stated): ExAC 0.00001; gnomAD exomes 0.00002.
gnomAD v4.1: 6 of 1,613,882 alleles (0.00037%); highest among the groups gnomAD compares: Admixed American, 0.01%; no homozygotes.

Submissions (2):

Ambry Genetics
Classification: Uncertain significance. Last evaluated: 2025-07-31. Review status: criteria provided, single submitter. Criteria: Ambry Variant Classification Scheme 2023. Collection method: clinical testing. Allele origin: germline.

Labcorp Genetics (formerly Invitae), Labcorp
Classification: Uncertain significance. Last evaluated: 2024-04-25. Review status: criteria provided, single submitter. Criteria: Invitae Variant Classification Sherloc (09022015). Collection method: clinical testing. Allele origin: germline.
Comment: This sequence change replaces serine, which is neutral and polar, with cysteine, which is neutral and slightly polar, at codon 264 of the CLCN6 protein (p.Ser264Cys). This variant is present in population databases (rs774858202, gnomAD 0.02%). This variant has not been reported in the literature in individuals affected with CLCN6-related conditions. ClinVar contains an entry for this variant (Variation ID: 1490772). An algorithm developed to predict the effect of missense changes on protein structure and function (PolyPhen-2) suggests that this variant is likely to be disruptive. In summary, the available evidence is currently insufficient to determine the role of this variant in disease. Therefore, it has been classified as a Variant of Uncertain Significance.